The following is an entry in ClinVar:

NM_031885.5(BBS2):c.1804G>A (p.Glu602Lys)

Gene: BBS2 (Bardet-Biedl syndrome 2; minus strand). Cytogenetic location: 16q13.
Variant type: single nucleotide variant.
Coding change: c.1804G>A on transcript NM_031885.5 (MANE Select); coding-DNA position 1804, G replaced by A.
Protein change: p.Glu602Lys; replaces glutamic acid 602 with lysine.
Molecular consequence: missense variant. On other transcripts: non-coding transcript variant (5).
Genome position (GRCh38, 1-based): chr16:56,497,073, C>T on the plus strand (G>A on the coding strand, the complement: BBS2 is on the minus strand). VCF-style: chr16-56497073-C-T. GRCh37 (hg19) VCF-style: chr16-56530985-C-T.
Other names: c.1804G>A, p.Glu602Lys (NM_001377456.1); c.1804G>A (NM_031885.3); short protein forms E602K.
Identifiers: ClinVar variation 1419705 (VCV001419705.8), dbSNP rs1199835895, ClinGen allele CA395975680.

ClinVar aggregate classification (germline): Uncertain significance. Review status: criteria provided, multiple submitters, no conflicts (2 of 4 stars). 4 submissions from 4 submitters: Uncertain significance (4). Last evaluated 2026-08-01.

Conditions:
Bardet-Biedl syndrome 2 (BBS2). Identifiers: Orphanet 110, MedGen C2936863, MONDO:0014432, OMIM 615981.
Retinitis pigmentosa 74 (RP74). Identifiers: Orphanet 791, MedGen C4225281, MONDO:0014692, OMIM 616562.
BBS2-related disorder. Also called: BBS2-related disorders; BBS2-related condition. Identifiers: MedGen CN239228.
Inborn genetic diseases. Identifiers: MedGen C0950123, MeSH D030342.
Bardet-Biedl syndrome (BBS). Identifiers: Orphanet 110, MedGen C0752166, MONDO:0015229.

Allele frequency attached by ClinVar (database versions not stated): gnomAD exomes below 0.00001; gnomAD 0.00001; TOPMed 0.00001.
gnomAD v4.1: 2 of 1,606,920 alleles (0.00012%); highest among the groups gnomAD compares: African/African-American, 0.0027%; no homozygotes.

Submissions (4):

PreventionGenetics, part of Exact Sciences
Classification: Uncertain significance for BBS2-related condition. Last evaluated: 2026-08-01. Review status: criteria provided, single submitter. Criteria: ACMG Guidelines, 2015. Collection method: clinical testing. Allele origin: germline.
Comment: The BBS2 c.1804G>A variant is predicted to result in the amino acid substitution p.Glu602Lys. To our knowledge, this variant has not been reported in the literature or in a large population database (gnomAD), indicating this variant is rare. At this time, the clinical significance of this variant is uncertain due to the absence of conclusive functional and genetic evidence.

Ambry Genetics
Classification: Uncertain significance for Inborn genetic diseases. Last evaluated: 2025-04-10. Review status: criteria provided, single submitter. Criteria: Ambry Variant Classification Scheme 2023. Collection method: clinical testing. Allele origin: germline.

Fulgent Genetics
Classification: Uncertain significance for Bardet-Biedl syndrome 2; Retinitis pigmentosa 74. Last evaluated: 2024-05-01. Review status: criteria provided, single submitter. Criteria: ACMG Guidelines, 2015. Collection method: clinical testing. Allele origin: germline.

Labcorp Genetics (formerly Invitae), Labcorp
Classification: Uncertain significance for Bardet-Biedl syndrome. Last evaluated: 2022-03-18. Review status: criteria provided, single submitter. Criteria: Invitae Variant Classification Sherloc (09022015). Collection method: clinical testing. Allele origin: germline.
Comment: This sequence change replaces glutamic acid, which is acidic and polar, with lysine, which is basic and polar, at codon 602 of the BBS2 protein (p.Glu602Lys). This variant is not present in population databases (gnomAD no frequency). This variant has not been reported in the literature in individuals affected with BBS2-related conditions. Algorithms developed to predict the effect of missense changes on protein structure and function are either unavailable or do not agree on the potential impact of this missense change (SIFT: "Tolerated"; PolyPhen-2: "Possibly Damaging"; Align-GVGD: "Class C0"). Algorithms developed to predict the effect of sequence changes on RNA splicing suggest that this variant may disrupt the consensus splice site. In summary, the available evidence is currently insufficient to determine the role of this variant in disease. Therefore, it has been classified as a Variant of Uncertain Significance.